The following is an entry in ClinVar:

ClinVar aggregate classification (germline): Uncertain significance (1 of 4 stars; one submission).

Submission:

CeGaT Center for Human Genetics Tuebingen
Classification: Uncertain significance. Last evaluated: 2024-12-01. Review status: criteria provided, single submitter. Criteria: CeGaT Center For Human Genetics Tuebingen Variant Classification Criteria Version 2. Collection method: clinical testing. Allele origin: germline. Affected: yes. Observed: 1 variant allele.
Comment: RORB: PM2, PP2, PP3

NM_006914.4(RORB):c.53C>T (p.Ser18Phe)

Gene: RORB (RAR related orphan receptor B; plus strand). Cytogenetic location: 9q21.13.
Variant type: single nucleotide variant.
Coding change: c.53C>T on transcript NM_006914.4 (MANE Select); coding-DNA position 53, C replaced by T.
Protein change: p.Ser18Phe; replaces serine 18 with phenylalanine.
Molecular consequence: missense variant.
Genome position (GRCh38, 1-based): chr9:74,630,327, C>T. VCF-style: chr9-74630327-C-T. GRCh37 (hg19) VCF-style: chr9-77245243-C-T.
Other names: c.86C>T, p.Ser29Phe (NM_001365023.1); short protein forms S18F, S29F.
Identifiers: ClinVar variation 3772145 (VCV003772145.13).